The following is an entry in ClinVar:

ClinVar aggregate classification (germline): Likely pathogenic. Review status: reviewed by expert panel (3 of 4 stars). 4 submissions from 4 submitters: Likely pathogenic (1). 3 of the submissions do not count toward it. Last evaluated 2025-09-29.

Conditions:
AIPL1-related retinopathy. Also called: AIPL1 retinopathy. Identifiers: MedGen CN305590, MONDO:0100438.
Leber congenital amaurosis 4 (LCA4). Identifiers: MedGen C1858386, MONDO:0011458, OMIM 604393.

Allele frequency attached by ClinVar (database versions not stated): TOPMed 0.00001.

Submissions (4):

ClinGen Leber Congenital Amaurosis/early Onset Retinal Dystrophy Variant Curation Expert Panel, ClinGen
Classification: Likely pathogenic for AIPL1-related retinopathy. Last evaluated: 2025-09-29. Review status: reviewed by expert panel. Criteria: ClinGen LCAeoRD ACMG Specifications AIPL1 V1.0.0. Collection method: curation. Allele origin: germline. Inheritance: Autosomal recessive inheritance.
Comment: NM_014336.5(AIPL1):c.152A>G (p.Asp51Gly) is a missense variant predicted to replace the aspartic acid at position p.51 with glycine. This variant is absent from gnomAD v4.1.0 (PM2_Supporting). The computational predictor REVEL gives a score of 0.86, which is above the ClinGen LCA/eoRD VCEP threshold of ≥0.774 and predicts a damaging effect on AIPL1 protein function (PP3_Moderate). This variant has also been reported in 2 probands with early-onset severe retinal dystrophy who were compound heterozygous with the p.Gln141Ter variant confirmed in trans (2 points, PMID: 31630094), which was previously classified pathogenic by the ClinGen LCA/eoRD VCEP (2 total points, PM3_Strong). At least one proband harboring this variant exhibits a phenotype including diagnosis of LCA (0.5 pts) with onset at age 1 (1 pt) and has photophobia (1 pt), severely reduced electroretinogram responses from both rods (0.5 pts) and cones (1 pt), nystagmus (1 pt), decreased central visual acuity (1 pt), and has had gene panel testing with no additional likely cause found (2 pts). Together these are highly specific for AIPL1-related retinopathy (8 points, PMID: 31630094, PP4_Moderate). In summary, this variant meets the criteria to be classified as Likely Pathogenic for AIPL1-related retinopathy based on the ACMG/AMP criteria applied, as specified by the ClinGen LCA/eoRD VCEP: PM3_Strong, PP3_Moderate, PP4_Moderate, PM2_Supporting, (VCEP specifications version 1.0.0; date of approval 09/24/2025).

CeGaT Center for Human Genetics Tuebingen
Classification: Likely pathogenic. Last evaluated: 2024-02-01. Review status: criteria provided, single submitter. Criteria: CeGaT Center For Human Genetics Tuebingen Variant Classification Criteria Version 2. Collection method: clinical testing. Allele origin: germline. Affected: yes. Observed: 1 variant allele. Not counted in ClinVar's aggregate classification.
Comment: AIPL1: PM3:Strong, PM2

Labcorp Genetics (formerly Invitae), Labcorp
Classification: Pathogenic for Leber congenital amaurosis 4. Last evaluated: 2024-01-11. Review status: criteria provided, single submitter. Criteria: Invitae Variant Classification Sherloc (09022015). Collection method: clinical testing. Allele origin: germline. Not counted in ClinVar's aggregate classification.
Comment: This sequence change replaces aspartic acid, which is acidic and polar, with glycine, which is neutral and non-polar, at codon 51 of the AIPL1 protein (p.Asp51Gly). This variant is not present in population databases (gnomAD no frequency). This missense change has been observed in individual(s) with Leber congenital amaurosis (PMID: 26047050, 31054281, 31360094, 31630094). In at least one individual the data is consistent with being in trans (on the opposite chromosome) from a pathogenic variant. Advanced modeling of protein sequence and biophysical properties (such as structural, functional, and spatial information, amino acid conservation, physicochemical variation, residue mobility, and thermodynamic stability) performed at Invitae indicates that this missense variant is expected to disrupt AIPL1 protein function with a positive predictive value of 80%. For these reasons, this variant has been classified as Pathogenic.

Clinical Genetics Laboratory, Skane University Hospital Lund
Classification: Likely pathogenic. Last evaluated: 2023-08-29. Review status: criteria provided, single submitter. Criteria: ACMG Guidelines, 2015. Collection method: clinical testing. Allele origin: germline. Affected: yes. Not counted in ClinVar's aggregate classification.

Literature cited by the submitters: PubMed 26047050 (cited by Labcorp Genetics (formerly Invitae), Labcorp); PubMed 31054281 (cited by Labcorp Genetics (formerly Invitae), Labcorp); PubMed 31360094 (cited by Labcorp Genetics (formerly Invitae), Labcorp); PubMed 31630094 (cited by Labcorp Genetics (formerly Invitae), Labcorp).

NM_014336.5(AIPL1):c.152A>G (p.Asp51Gly)

Gene: AIPL1 (AIP like 1 HSP90 co-chaperone; minus strand). Cytogenetic location: 17p13.2.
Variant type: single nucleotide variant.
Coding change: c.152A>G on transcript NM_014336.5 (MANE Select); coding-DNA position 152, A replaced by G.
Protein change: p.Asp51Gly; replaces aspartic acid 51 with glycine.
Molecular consequence: missense variant. On other transcripts: intron variant (2).
Genome position (GRCh38, 1-based): chr17:6,434,043, T>C on the plus strand (A>G on the coding strand, the complement: AIPL1 is on the minus strand). VCF-style: chr17-6434043-T-C. GRCh37 (hg19) VCF-style: chr17-6337363-T-C.
Other names: NM_014336.5(AIPL1):c.152A>G; p.Asp51Gly; c.152A>G, p.Asp51Gly (NM_001033054.3, NM_001285401.3, NM_001285403.4); c.116A>G, p.Asp39Gly (NM_001285399.3); c.35A>G, p.Asp12Gly (NM_001285402.2); c.96+966A>G (NM_001033055.3); c.97-11A>G (NM_001285400.3); short protein forms D12G, D39G, D51G.
Identifiers: ClinVar variation 2736407 (VCV002736407.27), dbSNP rs1336690304, ClinGen allele CA397397594.